The following is an entry in ClinVar:

ClinVar aggregate classification (germline): Uncertain significance (1 of 4 stars; one submission).

Conditions:
Tibial muscular dystrophy (TMD). Also called: UDD MYOPATHY; Tibial muscular dystrophy, tardive; Udd Distal Myopathy – Tibial Muscular Dystrophy. Identifiers: Orphanet 609, MedGen C1838244, MONDO:0010870, OMIM 600334.

Submission:

OLLIN Analises Genomicas, OLLIN
Classification: Uncertain significance for Tibial muscular dystrophy. Last evaluated: 2026-08-06. Review status: criteria provided, single submitter. Criteria: ACMG Guidelines 2015 PMID 25741868. Collection method: clinical testing. Allele origin: germline. Inheritance: Autosomal dominant inheritance.
Comment: This missense variant, located in exon 350 (of 363), is absent from gnomAD and ClinVar and has not been identified in the literature. In silico analysis predicts that this variant has a tolerated effect. According to the currently available evidence, this variant has been classified as uncertain significance (PM2_P, BP4).

NM_001267550.2(TTN):c.97735G>C (p.Ala32579Pro)

Genes: TTN (titin; minus strand), TTN-AS1 (TTN antisense RNA 1; plus strand). Cytogenetic location: 2q31.2.
Variant type: single nucleotide variant.
Coding change: c.97735G>C on transcript NM_001267550.2 (MANE Select); coding-DNA position 97735, G replaced by C.
Protein change: p.Ala32579Pro; replaces alanine 32579 with proline.
Molecular consequence: missense variant.
Genome position (GRCh38, 1-based): chr2:178,541,342, C>G on the plus strand (G>C on the coding strand, the complement: TTN is on the minus strand). VCF-style: chr2-178541342-C-G. GRCh37 (hg19) VCF-style: chr2-179406069-C-G.
Other names: c.92812G>C, p.Ala30938Pro (NM_001256850.1); c.70540G>C, p.Ala23514Pro (NM_003319.4); c.90031G>C, p.Ala30011Pro (NM_133378.4); c.70915G>C, p.Ala23639Pro (NM_133432.3); c.71116G>C, p.Ala23706Pro (NM_133437.4); short protein forms A23706P, A30938P, A23514P, A23639P, A30011P, A32579P.
Identifiers: ClinVar variation 5002731 (VCV005002731.1).